The following is an entry in ClinVar:

ClinVar aggregate classification (germline): Uncertain significance (1 of 4 stars; one submission).

Conditions:
Vici syndrome (VICIS). Identifiers: Orphanet 1493, MedGen C1855772, MONDO:0009452, OMIM 242840.

Submission:

Labcorp Genetics (formerly Invitae), Labcorp
Classification: Uncertain significance for Vici syndrome. Last evaluated: 2021-10-07. Review status: criteria provided, single submitter. Criteria: Invitae Variant Classification Sherloc (09022015). Collection method: clinical testing. Allele origin: germline.
Comment: In summary, the available evidence is currently insufficient to determine the role of this variant in disease. Therefore, it has been classified as a Variant of Uncertain Significance. Algorithms developed to predict the effect of missense changes on protein structure and function are either unavailable or do not agree on the potential impact of this missense change (SIFT: "Deleterious"; PolyPhen-2: "Benign"; Align-GVGD: "Class C0"). This variant has not been reported in the literature in individuals affected with EPG5-related conditions. This variant is not present in population databases (ExAC no frequency). This sequence change replaces glutamine with histidine at codon 1535 of the EPG5 protein (p.Gln1535His). The glutamine residue is moderately conserved and there is a small physicochemical difference between glutamine and histidine.

NM_020964.3(EPG5):c.4605G>C (p.Gln1535His)

Gene: EPG5 (ectopic P-granules 5 autophagy tethering factor; minus strand). Cytogenetic location: 18q21.1.
Variant type: single nucleotide variant.
Coding change: c.4605G>C on transcript NM_020964.3 (MANE Select); coding-DNA position 4605, G replaced by C.
Protein change: p.Gln1535His; replaces glutamine 1535 with histidine.
Molecular consequence: missense variant.
Genome position (GRCh38, 1-based): chr18:45,901,037, C>G on the plus strand (G>C on the coding strand, the complement: EPG5 is on the minus strand). VCF-style: chr18-45901037-C-G. GRCh37 (hg19) VCF-style: chr18-43481002-C-G.
Other names: short protein forms Q1535H.
Identifiers: ClinVar variation 1462965 (VCV001462965.7), dbSNP rs2145588320, ClinGen allele CA402337515.
Genomic context (GRCh38, chr18:45,901,037, plus strand): 5'-TGAGGCTGCATGGTCTTACCTGGCCTGCTGTTGCAACAGATTCAGGTCTGTGCACACCAG[C>G]TGGGTGGCGTCCTTCTGACTCAATAGCACAGCAGAGGAAATAACTGGCACAGGAGGCTTC-3'
Protein context (NP_066015.2, residues 1525-1545): AVLLSQKDAT[Gln1535His]LVCTDLNLLQ